The following is an entry in ClinVar:

ClinVar aggregate classification (germline): Conflicting classifications of pathogenicity. Review status: criteria provided, conflicting classifications (1 of 4 stars). 6 submissions from 6 submitters: Uncertain significance (4); Likely benign (1). 1 of the submissions does not count toward it. Last evaluated 2026-04-21.

Conditions:
ATM-related disorder. Also called: ATM-related disorders; ATM-related condition.
Hereditary cancer-predisposing syndrome. Also called: Neoplastic Syndromes, Hereditary; Tumor predisposition; Hereditary Cancer Syndrome; Hereditary neoplastic syndrome. Identifiers: Orphanet 140162, MedGen C0027672, MeSH D009386, MONDO:0015356.
Ataxia-telangiectasia syndrome (AT). Also called: LOUIS-BAR SYNDROME; Cerebello-oculocutaneous telangiectasia; Immunodeficiency with ataxia telangiectasia; Ataxia-telangiectasia, complementation group E; Ataxia-telangiectasia, complementation group D; AT, COMPLEMENTATION GROUP C. Identifiers: Orphanet 100, MedGen C0004135, MONDO:0008840, OMIM 208900.

Submissions (6):

PreventionGenetics, part of Exact Sciences
Classification: Uncertain significance for ATM-related condition. Last evaluated: 2026-04-21. Review status: criteria provided, single submitter. Criteria: ACMG Guidelines, 2015. Collection method: clinical testing. Allele origin: germline.
Comment: The ATM c.2811A>C variant is predicted to result in the amino acid substitution p.Glu937Asp. To our knowledge, this variant has not been reported in the literature or in a large population database (gnomAD), indicating this variant is rare. It has conflicting interpretations in ClinVar ranging from likely benign to uncertain (Variation ID: 407726). At this time, the clinical significance of this variant is uncertain due to the absence of conclusive functional and genetic evidence.

Labcorp Genetics (formerly Invitae), Labcorp
Classification: Uncertain significance for Ataxia-telangiectasia syndrome. Last evaluated: 2025-11-04. Review status: criteria provided, single submitter. Criteria: Invitae Variant Classification Sherloc (09022015). Collection method: clinical testing. Allele origin: germline.
Comment: This sequence change replaces glutamic acid, which is acidic and polar, with aspartic acid, which is acidic and polar, at codon 937 of the ATM protein (p.Glu937Asp). This variant is not present in population databases (gnomAD no frequency). This variant has not been reported in the literature in individuals affected with ATM-related conditions. ClinVar contains an entry for this variant (Variation ID: 407726). Invitae Evidence Modeling of protein sequence and biophysical properties (such as structural, functional, and spatial information, amino acid conservation, physicochemical variation, residue mobility, and thermodynamic stability) indicates that this missense variant is not expected to disrupt ATM protein function with a negative predictive value of 95%. In summary, the available evidence is currently insufficient to determine the role of this variant in disease. Therefore, it has been classified as a Variant of Uncertain Significance.

Women's Health and Genetics/Laboratory Corporation of America, LabCorp
Classification: Uncertain significance. Last evaluated: 2025-10-10. Review status: criteria provided, single submitter. Criteria: LabCorp Variant Classification Summary - May 2015. Collection method: clinical testing. Allele origin: germline.
Comment: Variant summary: ATM c.2811A>C (p.Glu937Asp) results in a conservative amino acid change in the encoded protein sequence. Algorithms developed to predict the effect of missense changes on protein structure and function all suggest that this variant is likely to be tolerated. The variant was absent in 251382 control chromosomes. The available data on variant occurrences in the general population are insufficient to allow any conclusion about variant significance. To our knowledge, no occurrence of c.2811A>C in individuals affected with ATM-related conditions and no experimental evidence demonstrating its impact on protein function have been reported. ClinVar contains an entry for this variant (Variation ID: 407726). Based on the evidence outlined above, the variant was classified as uncertain significance.

Ambry Genetics
Classification: Likely benign for Hereditary cancer-predisposing syndrome. Last evaluated: 2025-01-10. Review status: criteria provided, single submitter. Criteria: Ambry Variant Classification Scheme 2023. Collection method: clinical testing. Allele origin: germline.

Color Diagnostics, LLC DBA Color Health
Classification: Uncertain significance for Hereditary cancer-predisposing syndrome. Last evaluated: 2024-03-06. Review status: criteria provided, single submitter. Criteria: ACMG Guidelines, 2015. Collection method: clinical testing. Allele origin: germline.
Comment: This missense variant replaces glutamic acid with aspartic acid at codon 937 of the ATM protein. Computational prediction suggests that this variant may not impact protein structure and function (internally defined REVEL score threshold <= 0.5, PMID: 27666373). To our knowledge, functional studies have not been reported for this variant. This variant has not been reported in individuals affected with hereditary cancer in the literature. This variant has not been identified in the general population by the Genome Aggregation Database (gnomAD). The available evidence is insufficient to determine the role of this variant in disease conclusively. Therefore, this variant is classified as a Variant of Uncertain Significance.

Natera, Inc.
Classification: Uncertain significance for Ataxia-telangiectasia. Last evaluated: 2021-07-27. Review status: no assertion criteria provided. Collection method: clinical testing. Allele origin: germline. Not counted in ClinVar's aggregate classification.

NM_000051.4(ATM):c.2811A>C (p.Glu937Asp)

Gene: ATM (ATM serine/threonine kinase; plus strand). Cytogenetic location: 11q22.3.
Variant type: single nucleotide variant.
Coding change: c.2811A>C on transcript NM_000051.4 (MANE Select); coding-DNA position 2811, A replaced by C.
Protein change: p.Glu937Asp; replaces glutamic acid 937 with aspartic acid.
Molecular consequence: missense variant.
Genome position (GRCh38, 1-based): chr11:108,268,582, A>C. VCF-style: chr11-108268582-A-C. GRCh37 (hg19) VCF-style: chr11-108139309-A-C.
Other names: c.2811A>C, p.Glu937Asp (NM_001351834.2); short protein forms E937D.
Identifiers: ClinVar variation 407726 (VCV000407726.20), dbSNP rs1060501705, ClinGen allele CA16613310.